The following is an entry in ClinVar:

NM_001159773.2(CANT1):c.258G>A (p.Trp86Ter)

Gene: CANT1 (calcium activated nucleotidase 1; minus strand). Cytogenetic location: 17q25.3.
Variant type: single nucleotide variant.
Coding change: c.258G>A on transcript NM_001159773.2 (MANE Select); coding-DNA position 258, G replaced by A.
Protein change: p.Trp86Ter; replaces tryptophan 86 with a stop codon.
Molecular consequence: nonsense.
Genome position (GRCh38, 1-based): chr17:78,997,365, C>T on the plus strand (G>A on the coding strand, the complement: CANT1 is on the minus strand). VCF-style: chr17-78997365-C-T. GRCh37 (hg19) VCF-style: chr17-76993447-C-T.
Other names: c.258G>A, p.Trp86Ter (NM_001159772.2, NM_138793.4); short protein forms W86*.
Identifiers: ClinVar variation 3019036 (VCV003019036.4), dbSNP rs199762751, ClinGen allele CA8808777.

ClinVar aggregate classification (germline): Pathogenic/Likely pathogenic. Review status: criteria provided, multiple submitters, no conflicts (2 of 4 stars). 2 submissions from 2 submitters: Pathogenic (1); Likely pathogenic (1). Last evaluated 2024-03-20.

Allele frequency attached by ClinVar (database versions not stated): ExAC 0.00001; TOPMed 0.00001; gnomAD exomes 0.00002; ESP Exome Variant Server 0.00008; 1000 Genomes Project 0.00020; 1000 Genomes Project 30x 0.00031.

Submissions (2):

Revvity Omics, Revvity
Classification: Likely pathogenic. Last evaluated: 2024-03-20. Review status: criteria provided, single submitter. Criteria: ACMG Guidelines, 2015. Collection method: clinical testing. Allele origin: germline.

Labcorp Genetics (formerly Invitae), Labcorp
Classification: Pathogenic. Last evaluated: 2023-10-05. Review status: criteria provided, single submitter. Criteria: Invitae Variant Classification Sherloc (09022015). Collection method: clinical testing. Allele origin: germline.
Comment: This sequence change creates a premature translational stop signal (p.Trp86*) in the CANT1 gene. It is expected to result in an absent or disrupted protein product. Loss-of-function variants in CANT1 are known to be pathogenic (PMID: 19853239, 21037275, 22539336). This variant is present in population databases (rs199762751, gnomAD 0.002%). This variant has not been reported in the literature in individuals affected with CANT1-related conditions. Algorithms developed to predict the effect of sequence changes on RNA splicing suggest that this variant may create or strengthen a splice site. For these reasons, this variant has been classified as Pathogenic.

Literature cited by the submitters: PubMed 19853239 (cited by Labcorp Genetics (formerly Invitae), Labcorp); PubMed 21037275 (cited by Labcorp Genetics (formerly Invitae), Labcorp); PubMed 22539336 (cited by Labcorp Genetics (formerly Invitae), Labcorp).